The following is an entry in ClinVar:

ClinVar aggregate classification (germline): Pathogenic (1 of 4 stars; one submission).

Submission:

Labcorp Genetics (formerly Invitae), Labcorp
Classification: Pathogenic. Last evaluated: 2023-04-11. Review status: criteria provided, single submitter. Criteria: Invitae Variant Classification Sherloc (09022015). Collection method: clinical testing. Allele origin: germline.
Comment: For these reasons, this variant has been classified as Pathogenic. This variant has not been reported in the literature in individuals affected with HPS3-related conditions. This variant is not present in population databases (gnomAD no frequency). This sequence change creates a premature translational stop signal (p.Asp184Ilefs*20) in the HPS3 gene. It is expected to result in an absent or disrupted protein product. Loss-of-function variants in HPS3 are known to be pathogenic (PMID: 11590544).

Literature cited by the submitters: PubMed 11590544.

NM_032383.5(HPS3):c.550_553del (p.Asp184fs)

Gene: HPS3 (HPS3 biogenesis of lysosomal organelles complex 2 subunit 1; plus strand). Cytogenetic location: 3q24.
Variant type: Deletion.
Coding change: c.550_553del on transcript NM_032383.5 (MANE Select); coding-DNA positions 550 to 553, 4 bases deleted (GATA; older notation c.550_553delGATA).
Protein change: p.Asp184fs; shifts the reading frame from aspartic acid 184.
Molecular consequence: frameshift variant. On other transcripts: intron variant (1).
Genome position (GRCh38, 1-based): chr3:149,140,336-149,140,339, GATA deleted; deleting any 4 consecutive bases within chr3:149,140,333-149,140,339 gives the same sequence; the c. name uses the placement nearest the transcript's 3' end. VCF-style (leftmost placement, unchanged base first): chr3-149140332-CATAG-C. GRCh37 (hg19) VCF-style: chr3-148858119-CATAG-C.
Other names: c.218-681_218-678del (NM_001308258.2); short protein forms D184fs.
Identifiers: ClinVar variation 2855071 (VCV002855071.3), dbSNP rs2473069249, ClinGen allele CA2739279552.